The following is an entry in ClinVar:

ClinVar aggregate classification (germline): Uncertain significance (1 of 4 stars; one submission).

gnomAD v4.1: 2 of 1,551,500 alleles (0.00013%); highest among the groups gnomAD compares: Admixed American, 0.002%; no homozygotes.

Submission:

GeneDx
Classification: Uncertain significance. Last evaluated: 2023-03-14. Review status: criteria provided, single submitter. Criteria: GeneDx Variant Classification Process June 2021. Collection method: clinical testing. Allele origin: germline. Affected: yes.
Comment: Not observed at significant frequency in large population cohorts (gnomAD); In silico analysis supports that this missense variant has a deleterious effect on protein structure/function; Has not been previously published as pathogenic or benign to our knowledge

NM_003108.4(SOX11):c.1144G>C (p.Gly382Arg)

Gene: SOX11 (SRY-box transcription factor 11; plus strand). Cytogenetic location: 2p25.2.
Variant type: single nucleotide variant.
Coding change: c.1144G>C on transcript NM_003108.4 (MANE Select); coding-DNA position 1144, G replaced by C.
Protein change: p.Gly382Arg; replaces glycine 382 with arginine.
Molecular consequence: missense variant.
Genome position (GRCh38, 1-based): chr2:5,693,865, G>C. VCF-style: chr2-5693865-G-C. GRCh37 (hg19) VCF-style: chr2-5833997-G-C.
Other names: short protein forms G382R.
Identifiers: ClinVar variation 2580043 (VCV002580043.1), dbSNP rs924321972, ClinGen allele CA42006712.
Genomic context (GRCh38, chr2:5,693,865, plus strand): 5'-ATGTTCGACCTGAGCTTGAATTTCTCTCAAAGCGCGCACAGCGCCAGCGAGCAGCAGCTG[G>C]GGGGCGGCGCGGCGGCCGGGAACCTGTCCCTGTCGCTGGTGGATAAGGATTTGGATTCGT-3'
Protein context (NP_003099.1, residues 372-392): SAHSASEQQL[Gly382Arg]GGAAAGNLSL